The following is an entry in ClinVar:

ClinVar aggregate classification (germline): Likely pathogenic (1 of 4 stars; one submission).

Conditions:
Hypomyelinating leukodystrophy.

Submission:

Medical Genetics, Taibah University College of Applied Medical Sciences
Classification: Likely pathogenic for Hypomyelinating leukodystrophy. Review status: criteria provided, single submitter. Criteria: ACMG Guidelines, 2015. Collection method: clinical testing. Allele origin: germline. Inheritance: Autosomal recessive inheritance. Affected: yes. Observed: 1 variant allele, 1 homozygote.
Comment: This variant is absent from the gnomAD database (v4.1.0) and affects a highly conserved nucleotide in the 3`UTR of PPTC7. Functional studies have shown that this variant causes PPTC7 deficiency and excessive mitophagy.

Literature cited by the submitters: PubMed 41756425.

NM_139283.2(PPTC7):c.*57dup

Gene: PPTC7 (protein phosphatase targeting COQ7; minus strand). Cytogenetic location: 12q24.11.
Variant type: Duplication.
Coding change: c.*57dup on transcript NM_139283.2 (MANE Select); 57 bases downstream of the stop codon, one base duplicated (T; older notation c.*57dupT).
Molecular consequence: 3 prime UTR variant. On other transcripts: non-coding transcript variant (1).
Genome position (GRCh38, 1-based): chr12:110,536,980, A duplicated on the plus strand (T on the coding strand, the reverse complement: PPTC7 is on the minus strand). VCF-style (leftmost placement, unchanged base first): chr12-110536979-C-CA. GRCh37 (hg19) VCF-style: chr12-110974784-C-CA.
Identifiers: ClinVar variation 4813199 (VCV004813199.1).